The following is an entry in ClinVar:

ClinVar aggregate classification (germline): Uncertain significance. Review status: criteria provided, multiple submitters, no conflicts (2 of 4 stars). 4 submissions from 4 submitters: Uncertain significance (3). 1 of the submissions does not count toward it. Last evaluated 2024-12-31.

Conditions:
Hereditary cancer-predisposing syndrome. Also called: Hereditary neoplastic syndrome; Hereditary Cancer Syndrome; Neoplastic Syndromes, Hereditary; Tumor predisposition. Identifiers: Orphanet 140162, MedGen C0027672, MeSH D009386, MONDO:0015356.
Bloom syndrome (BLM). Also called: Bloom-Torre-Machacek syndrome. Identifiers: Orphanet 125, MedGen C0005859, MONDO:0008876, OMIM 210900.

Allele frequency attached by ClinVar (database versions not stated): gnomAD exomes below 0.00001 and 0.00002; ExAC 0.00001; TOPMed 0.00002; gnomAD 0.00003 and 0.00004.
gnomAD v4.1: 10 of 1,614,036 alleles (0.00062%); highest among the groups gnomAD compares: African/African-American, 0.011%; no homozygotes.

Submissions (4):

Labcorp Genetics (formerly Invitae), Labcorp
Classification: Uncertain significance for Bloom syndrome. Last evaluated: 2024-12-31. Review status: criteria provided, single submitter. Criteria: Invitae Variant Classification Sherloc (09022015). Collection method: clinical testing. Allele origin: germline.
Comment: This sequence change replaces glycine, which is neutral and non-polar, with arginine, which is basic and polar, at codon 984 of the BLM protein (p.Gly984Arg). This variant is present in population databases (rs755784410, gnomAD 0.02%). This variant has not been reported in the literature in individuals affected with BLM-related conditions. ClinVar contains an entry for this variant (Variation ID: 236809). Invitae Evidence Modeling of protein sequence and biophysical properties (such as structural, functional, and spatial information, amino acid conservation, physicochemical variation, residue mobility, and thermodynamic stability) indicates that this missense variant is expected to disrupt BLM protein function with a positive predictive value of 80%. RNA analysis performed to evaluate the impact of this missense change on mRNA splicing indicates it does not significantly alter splicing (internal data). In summary, the available evidence is currently insufficient to determine the role of this variant in disease. Therefore, it has been classified as a Variant of Uncertain Significance.

Ambry Genetics
Classification: Uncertain significance for Hereditary cancer-predisposing syndrome. Last evaluated: 2024-01-19. Review status: criteria provided, single submitter. Criteria: Ambry Variant Classification Scheme 2023. Collection method: clinical testing. Allele origin: germline.

Quest Diagnostics Nichols Institute San Juan Capistrano
Classification: Uncertain significance. Last evaluated: 2023-09-06. Review status: criteria provided, single submitter. Criteria: Quest Diagnostics criteria. Collection method: clinical testing. Allele origin: unknown.
Comment: This variant has not been reported in the published literature. The frequency of this variant in the general population, 0.0002 (5/24966 chromosomes (Genome Aggregation Database)), is uninformative in the assessment of its pathogenicity. Analysis of this variant using bioinformatics tools for the prediction of the effect of amino acid changes on protein structure and function yielded predictions that this variant is damaging. Based on the available information, we are unable to determine the clinical significance of this variant.

Natera, Inc.
Classification: Uncertain significance for Bloom syndrome. Last evaluated: 2018-11-20. Review status: no assertion criteria provided. Collection method: clinical testing. Allele origin: germline. Not counted in ClinVar's aggregate classification.

NM_000057.4(BLM):c.2950G>A (p.Gly984Arg)

Gene: BLM (BLM RecQ like helicase; plus strand). Cytogenetic location: 15q26.1.
Variant type: single nucleotide variant.
Coding change: c.2950G>A on transcript NM_000057.4 (MANE Select); coding-DNA position 2950, G replaced by A.
Protein change: p.Gly984Arg; replaces glycine 984 with arginine.
Molecular consequence: missense variant.
Genome position (GRCh38, 1-based): chr15:90,790,775, G>A. VCF-style: chr15-90790775-G-A. GRCh37 (hg19) VCF-style: chr15-91334005-G-A.
Other names: c.2950G>A, p.Gly984Arg (NM_001287246.2, NM_001287247.2); c.1825G>A, p.Gly609Arg (NM_001287248.2); c.2950G>A (NM_000057.2); short protein forms G984R, G609R.
Identifiers: ClinVar variation 236809 (VCV000236809.11), dbSNP rs755784410, ClinGen allele CA7738900.